The following is an entry in ClinVar:

ClinVar aggregate classification (germline): Uncertain significance (1 of 4 stars; one submission).

Submission:

Labcorp Genetics (formerly Invitae), Labcorp
Classification: Uncertain significance. Last evaluated: 2025-09-16. Review status: criteria provided, single submitter. Criteria: Invitae Variant Classification Sherloc (09022015). Collection method: clinical testing. Allele origin: germline.
Comment: This sequence change replaces glycine, which is neutral and non-polar, with cysteine, which is neutral and slightly polar, at codon 197 of the LOX protein (p.Gly197Cys). This variant is not present in population databases (gnomAD no frequency). This variant has not been reported in the literature in individuals affected with LOX-related conditions. Invitae Evidence Modeling of protein sequence and biophysical properties (such as structural, functional, and spatial information, amino acid conservation, physicochemical variation, residue mobility, and thermodynamic stability) indicates that this missense variant is not expected to disrupt LOX protein function with a negative predictive value of 95%. In summary, the available evidence is currently insufficient to determine the role of this variant in disease. Therefore, it has been classified as a Variant of Uncertain Significance.

NM_002317.7(LOX):c.589G>T (p.Gly197Cys)

Genes: LOX (lysyl oxidase; minus strand), SRFBP1 (serum response factor binding protein 1; plus strand). Cytogenetic location: 5q23.1.
Variant type: single nucleotide variant.
Coding change: c.589G>T on transcript NM_002317.7 (MANE Select); coding-DNA position 589, G replaced by T.
Protein change: p.Gly197Cys; replaces glycine 197 with cysteine.
Molecular consequence: missense variant.
Genome position (GRCh38, 1-based): chr5:122,077,397, C>A on the plus strand (G>T on the coding strand, the complement: LOX is on the minus strand). VCF-style: chr5-122077397-C-A. GRCh37 (hg19) VCF-style: chr5-121413092-C-A.
Other names: short protein forms G197C.
Identifiers: ClinVar variation 4809130 (VCV004809130.1).